The following is an entry in ClinVar:

ClinVar aggregate classification (germline): Pathogenic (1 of 4 stars; one submission).

Submission:

Labcorp Genetics (formerly Invitae), Labcorp
Classification: Pathogenic. Last evaluated: 2022-02-23. Review status: criteria provided, single submitter. Criteria: Invitae Variant Classification Sherloc (09022015). Collection method: clinical testing. Allele origin: germline.
Comment: For these reasons, this variant has been classified as Pathogenic. This variant has not been reported in the literature in individuals affected with TNFAIP3-related conditions. This variant is not present in population databases (gnomAD no frequency). This sequence change creates a premature translational stop signal (p.Met214Asnfs*40) in the TNFAIP3 gene. It is expected to result in an absent or disrupted protein product. Loss-of-function variants in TNFAIP3 are known to be pathogenic (PMID: 26642243).

Literature cited by the submitters: PubMed 26642243.

NM_001270508.2(TNFAIP3):c.640dup (p.Met214fs)

Genes: TNFAIP3 (TNF alpha induced protein 3; plus strand), LOC126859807 (MED14-independent group 3 enhancer GRCh37_chr6:138196296-138197495; plus strand). Cytogenetic location: 6q23.3.
Variant type: Duplication.
Coding change: c.640dup on transcript NM_001270508.2 (MANE Select); coding-DNA position 640, one base duplicated (A; older notation c.640dupA).
Protein change: p.Met214fs; shifts the reading frame from methionine 214.
Molecular consequence: frameshift variant.
Genome position (GRCh38, 1-based): chr6:137,876,001, A duplicated; the last of 4 consecutive A bases (chr6:137,875,998-137,876,001); duplicating any one gives the same sequence. VCF-style (leftmost placement, unchanged base first): chr6-137875997-C-CA. GRCh37 (hg19) VCF-style: chr6-138197134-C-CA.
Other names: c.640dup, p.Met214fs (NM_001270507.2, NM_006290.4); short protein forms M214fs.
Identifiers: ClinVar variation 2102693 (VCV002102693.4), dbSNP rs2482735643, ClinGen allele CA2580075109.